The following is an entry in ClinVar:

NM_001286611.2(REPS1):c.340G>T (p.Ala114Ser)

Gene: REPS1 (RALBP1 associated Eps domain containing 1; minus strand). Cytogenetic location: 6q24.1.
Variant type: single nucleotide variant.
Coding change: c.340G>T on transcript NM_001286611.2 (MANE Select); coding-DNA position 340, G replaced by T.
Protein change: p.Ala114Ser; replaces alanine 114 with serine.
Molecular consequence: missense variant.
Genome position (GRCh38, 1-based): chr6:138,945,635, C>A on the plus strand (G>T on the coding strand, the complement: REPS1 is on the minus strand). VCF-style: chr6-138945635-C-A. GRCh37 (hg19) VCF-style: chr6-139266772-C-A.
Other names: c.340G>T, p.Ala114Ser (NM_001128617.3, NM_001286612.2, NM_031922.5); short protein forms A114S.
Identifiers: ClinVar variation 2963125 (VCV002963125.3), dbSNP rs143348359, ClinGen allele CA365815329.

ClinVar aggregate classification (germline): Uncertain significance (1 of 4 stars; one submission).

Allele frequency attached by ClinVar (database versions not stated): gnomAD 0.00001.
gnomAD v4.1: 80 of 1,613,354 alleles (0.005%); highest among the groups gnomAD compares: Non-Finnish European, 0.0068%; no homozygotes.

Submission:

Labcorp Genetics (formerly Invitae), Labcorp
Classification: Uncertain significance. Last evaluated: 2023-02-09. Review status: criteria provided, single submitter. Criteria: Invitae Variant Classification Sherloc (09022015). Collection method: clinical testing. Allele origin: germline.
Comment: This sequence change replaces alanine, which is neutral and non-polar, with serine, which is neutral and polar, at codon 114 of the REPS1 protein (p.Ala114Ser). This variant is not present in population databases (gnomAD no frequency). This variant has not been reported in the literature in individuals affected with REPS1-related conditions. Advanced modeling of protein sequence and biophysical properties (such as structural, functional, and spatial information, amino acid conservation, physicochemical variation, residue mobility, and thermodynamic stability) performed at Invitae indicates that this missense variant is not expected to disrupt REPS1 protein function. Algorithms developed to predict the effect of sequence changes on RNA splicing suggest that this variant may create or strengthen a splice site. In summary, the available evidence is currently insufficient to determine the role of this variant in disease. Therefore, it has been classified as a Variant of Uncertain Significance.